The following is an entry in ClinVar:

ClinVar aggregate classification (germline): Uncertain significance (1 of 4 stars; one submission).

Conditions:
Neuroblastoma, susceptibility to, 3. Also called: ALK-Related Neuroblastic Tumor Susceptibility. Identifiers: Orphanet 635, MedGen C2751681, MONDO:0013083, OMIM 613014.

Submission:

Labcorp Genetics (formerly Invitae), Labcorp
Classification: Uncertain significance for Neuroblastoma, susceptibility to, 3. Last evaluated: 2017-07-17. Review status: criteria provided, single submitter. Criteria: Invitae Variant Classification Sherloc (09022015). Collection method: clinical testing. Allele origin: germline.
Comment: This has not been reported in the literature in the germline of individuals with an ALK-related disease. In summary, this variant has been shown to disrupt protein function in vitro. However, further genetic data is necessary at this point to unequivocally classify this variant. Therefore, it has been classified as a Variant of Uncertain Significance. This missense change is located within the functionally conserved tyrosine kinase domain of the ALK protein, where a significant number of previously reported somatic and germline ALK missense mutations have been reported (PMID: 18724359, 21972109, 18923524). One experimental study has shown that this variant accelerated the autophosphorylation of the ALK tyrosine kinase domain in vitro, which is necessary for its activation (PMID: 25517749). This variant is not present in population databases (ExAC no frequency). This sequence change replaces isoleucine with asparagine at codon 1170 of the ALK protein (p.Ile1170Asn). The isoleucine residue is highly conserved and there is a large physicochemical difference between isoleucine and asparagine.

Literature cited by the submitters: PubMed 18724359; PubMed 21972109; PubMed 18923524; PubMed 25517749.

NM_004304.5(ALK):c.3509T>A (p.Ile1170Asn)

Gene: ALK (ALK receptor tyrosine kinase; minus strand). Cytogenetic location: 2p23.2.
Variant type: single nucleotide variant.
Coding change: c.3509T>A on transcript NM_004304.5 (MANE Select); coding-DNA position 3509, T replaced by A.
Protein change: p.Ile1170Asn; replaces isoleucine 1170 with asparagine.
Molecular consequence: missense variant.
Genome position (GRCh38, 1-based): chr2:29,222,350, A>T on the plus strand (T>A on the coding strand, the complement: ALK is on the minus strand). VCF-style: chr2-29222350-A-T. GRCh37 (hg19) VCF-style: chr2-29445216-A-T.
Other names: c.305T>A, p.Ile102Asn (NM_001353765.2); short protein forms I1170N, I102N.
Identifiers: ClinVar variation 470831 (VCV000470831.7), dbSNP rs1553394197, ClinGen allele CA346462902.